The following is an entry in ClinVar:

ClinVar aggregate classification (germline): Uncertain significance (1 of 4 stars; one submission).

gnomAD v4.1: 1 of 1,610,668 alleles (0.000062%); highest among the groups gnomAD compares: Non-Finnish European, 0.000085%; no homozygotes.

Submission:

Labcorp Genetics (formerly Invitae), Labcorp
Classification: Uncertain significance. Last evaluated: 2025-08-30. Review status: criteria provided, single submitter. Criteria: Invitae Variant Classification Sherloc (09022015). Collection method: clinical testing. Allele origin: germline.
Comment: This sequence change replaces valine, which is neutral and non-polar, with phenylalanine, which is neutral and non-polar, at codon 466 of the REST protein (p.Val466Phe). This variant is not present in population databases (gnomAD no frequency). This variant has not been reported in the literature in individuals affected with REST-related conditions. An algorithm developed to predict the effect of missense changes on protein structure and function (PolyPhen-2) suggests that this variant is likely to be disruptive. In summary, the available evidence is currently insufficient to determine the role of this variant in disease. Therefore, it has been classified as a Variant of Uncertain Significance.

NM_005612.5(REST):c.1396G>T (p.Val466Phe)

Gene: REST (RE1 silencing transcription factor; plus strand). Cytogenetic location: 4q12.
Variant type: single nucleotide variant.
Coding change: c.1396G>T on transcript NM_005612.5 (MANE Select); coding-DNA position 1396, G replaced by T.
Protein change: p.Val466Phe; replaces valine 466 with phenylalanine.
Molecular consequence: missense variant.
Genome position (GRCh38, 1-based): chr4:56,930,254, G>T. VCF-style: chr4-56930254-G-T. GRCh37 (hg19) VCF-style: chr4-57796420-G-T.
Other names: c.1396G>T, p.Val466Phe (NM_001193508.2, NM_001363453.3); c.1312G>T, p.Val438Phe (NM_001440532.1, NM_001440533.1); short protein forms V438F, V466F.
Identifiers: ClinVar variation 4754480 (VCV004754480.1).